The following is an entry in ClinVar:

NM_000245.4(MET):c.3497G>A (p.Arg1166Gln)

Gene: MET (MET proto-oncogene, receptor tyrosine kinase; plus strand). Cytogenetic location: 7q31.2.
Variant type: single nucleotide variant.
Coding change: c.3497G>A on transcript NM_000245.4 (MANE Select); coding-DNA position 3497, G replaced by A.
Protein change: p.Arg1166Gln; replaces arginine 1166 with glutamine.
Molecular consequence: missense variant.
Genome position (GRCh38, 1-based): chr7:116,778,932, G>A. VCF-style: chr7-116778932-G-A. GRCh37 (hg19) VCF-style: chr7-116418986-G-A.
Other names: c.3551G>A (LRG_662t1, NM_001127500.2); c.3551G>A, p.Arg1184Gln (NM_001127500.3); c.2207G>A, p.Arg736Gln (NM_001324402.2); short protein forms R1184Q, R1166Q, R736Q.
Identifiers: ClinVar variation 216507 (VCV000216507.25), dbSNP rs199763277, ClinGen allele CA338530.
Genomic context (GRCh38, chr7:116,778,932, plus strand): 5'-GCCTGCGAAGTGAAGGGTCTCCGCTGGTGGTCCTACCATACATGAAACATGGAGATCTTC[G>A]AAATTTCATTCGAAATGAGACTCATGTAAGTTGACTGCCAAGCTTACTAACTGGCAAACT-3'
Protein context (NP_000236.2, residues 1156-1176): VLPYMKHGDL[Arg1166Gln]NFIRNETHNP

ClinVar aggregate classification (germline): Conflicting classifications of pathogenicity. Review status: criteria provided, conflicting classifications (1 of 4 stars). 7 submissions from 7 submitters: Uncertain significance (4); Likely benign (3). Last evaluated 2025-10-21.

Conditions:
Renal cell carcinoma. Identifiers: Orphanet 217071, MedGen C0007134, MeSH D002292, MONDO:0005086, HP:0005584.
MET-related disorder. Also called: MET-related condition.
Hereditary cancer-predisposing syndrome. Also called: Neoplastic Syndromes, Hereditary; Tumor predisposition; Hereditary Cancer Syndrome; Hereditary neoplastic syndrome. Identifiers: Orphanet 140162, MedGen C0027672, MeSH D009386, MONDO:0015356.

Allele frequency attached by ClinVar (database versions not stated): ESP Exome Variant Server 0.00008; gnomAD 0.00008 and 0.00006; ExAC 0.00009; gnomAD exomes 0.00011 and 0.00006; TOPMed 0.00006.
gnomAD v4.1: 96 of 1,613,690 alleles (0.0059%); highest among the groups gnomAD compares: African/African-American, 0.0053%; no homozygotes.

Submissions (7):

Labcorp Genetics (formerly Invitae), Labcorp
Classification: Likely benign for Renal cell carcinoma. Last evaluated: 2025-10-21. Review status: criteria provided, single submitter. Criteria: Invitae Variant Classification Sherloc (09022015). Collection method: clinical testing. Allele origin: germline.

PreventionGenetics, part of Exact Sciences
Classification: Likely benign for MET-related condition. Last evaluated: 2025-08-21. Review status: criteria provided, single submitter. Criteria: ACMG Guidelines, 2015. Collection method: clinical testing. Allele origin: germline.
Comment: This variant is classified as likely benign based on ACMG/AMP sequence variant interpretation guidelines (Richards et al. 2015 PMID: 25741868, with internal and published modifications).

Center for Genomic Medicine, Rigshospitalet, Copenhagen University Hospital
Classification: Uncertain significance. Last evaluated: 2024-07-31. Review status: criteria provided, single submitter. Criteria: ACMG Guidelines, 2015. Collection method: clinical testing. Allele origin: germline.

Quest Diagnostics Nichols Institute San Juan Capistrano
Classification: Uncertain significance. Last evaluated: 2024-07-12. Review status: criteria provided, single submitter. Criteria: Quest Diagnostics criteria. Collection method: clinical testing. Allele origin: unknown.

Blueprint Genetics
Classification: Uncertain significance. Last evaluated: 2023-09-25. Review status: criteria provided, single submitter. Criteria: ACMG Guidelines, 2015. Collection method: clinical testing. Allele origin: germline.

Ambry Genetics
Classification: Likely benign for Hereditary cancer-predisposing syndrome. Last evaluated: 2023-05-24. Review status: criteria provided, single submitter. Criteria: Ambry Variant Classification Scheme 2023. Collection method: clinical testing. Allele origin: germline.

GeneDx
Classification: Uncertain significance. Last evaluated: 2020-09-08. Review status: criteria provided, single submitter. Criteria: GeneDx Variant Classification Process June 2021. Collection method: clinical testing. Allele origin: germline. Affected: yes.
Comment: In silico analysis supports that this missense variant does not alter protein structure/function; Has not been previously published as pathogenic or benign to our knowledge